The following is an entry in ClinVar:

ClinVar aggregate classification (germline): Uncertain significance (1 of 4 stars; one submission).

Conditions:
Charcot-Marie-Tooth disease type 4. Also called: Charcot-Marie-Tooth, Type 4; Charcot-Marie-Tooth disease, type IV. Identifiers: Orphanet 64749, MedGen C4082197, MONDO:0018995.

Submission:

Labcorp Genetics (formerly Invitae), Labcorp
Classification: Uncertain significance for Charcot-Marie-Tooth disease type 4. Last evaluated: 2023-11-01. Review status: criteria provided, single submitter. Criteria: Invitae Variant Classification Sherloc (09022015). Collection method: clinical testing. Allele origin: germline.
Comment: This sequence change replaces aspartic acid, which is acidic and polar, with glutamic acid, which is acidic and polar, at codon 516 of the FIG4 protein (p.Asp516Glu). This variant is not present in population databases (gnomAD no frequency). This variant has not been reported in the literature in individuals affected with FIG4-related conditions. ClinVar contains an entry for this variant (Variation ID: 2415786). An algorithm developed to predict the effect of missense changes on protein structure and function (PolyPhen-2) suggests that this variant is likely to be tolerated. In summary, the available evidence is currently insufficient to determine the role of this variant in disease. Therefore, it has been classified as a Variant of Uncertain Significance.

NM_014845.6(FIG4):c.1548C>G (p.Asp516Glu)

Gene: FIG4 (FIG4 phosphoinositide 5-phosphatase; plus strand). Cytogenetic location: 6q21.
Variant type: single nucleotide variant.
Coding change: c.1548C>G on transcript NM_014845.6 (MANE Select); coding-DNA position 1548, C replaced by G.
Protein change: p.Asp516Glu; replaces aspartic acid 516 with glutamic acid.
Molecular consequence: missense variant.
Genome position (GRCh38, 1-based): chr6:109,765,126, C>G. VCF-style: chr6-109765126-C-G. GRCh37 (hg19) VCF-style: chr6-110086329-C-G.
Other names: short protein forms D516E.
Identifiers: ClinVar variation 2415786 (VCV002415786.6), dbSNP rs2486182411, ClinGen allele CA365227988.